The following is an entry in ClinVar:

NM_032656.4(DHX37):c.2061G>A (p.Ala687=)

Gene: DHX37 (DEAH-box helicase 37; minus strand). Cytogenetic location: 12q24.31.
Variant type: single nucleotide variant.
Coding change: c.2061G>A on transcript NM_032656.4 (MANE Select); coding-DNA position 2061, G replaced by A.
Protein change: p.Ala687=; no amino-acid change (alanine 687 retained).
Molecular consequence: synonymous variant.
Genome position (GRCh38, 1-based): chr12:124,960,408, C>T on the plus strand (G>A on the coding strand, the complement: DHX37 is on the minus strand). VCF-style: chr12-124960408-C-T. GRCh37 (hg19) VCF-style: chr12-125444954-C-T.
Identifiers: ClinVar variation 2643579 (VCV002643579.24), dbSNP rs759672550, ClinGen allele CA6871774.
Genomic context (GRCh38, chr12:124,960,408, plus strand): 5'-GTCTTCAACAGGCCTCCGGGTGATTTCTGGAGGAGGAAACTGCTCGAAGTCACCAAAAAC[C>T]GCAGATGAATACAGCCTGGATGGAGAGAAACCGGGACAACAAACACAAAACTCACACCAA-3'
Protein context (NP_116045.2, residues 677-697): PGHCYRLYSS[Ala687=]VFGDFEQFPP

ClinVar aggregate classification (germline): Likely benign (1 of 4 stars; one submission).

Allele frequency attached by ClinVar (database versions not stated): TOPMed 0.00003; gnomAD exomes 0.00001; ExAC 0.00003; gnomAD 0.00003.
gnomAD v4.1: 23 of 1,611,792 alleles (0.0014%); highest among the groups gnomAD compares: East Asian, 0.013%; no homozygotes.

Submission:

CeGaT Center for Human Genetics Tuebingen
Classification: Likely benign. Last evaluated: 2023-10-01. Review status: criteria provided, single submitter. Criteria: CeGaT Center For Human Genetics Tuebingen Variant Classification Criteria Version 2. Collection method: clinical testing. Allele origin: germline. Affected: yes. Observed: 1 variant allele.
Comment: DHX37: BP4, BP7